The following is an entry in ClinVar:

NM_013450.4(BAZ2B):c.-46+27G>A

Genes: BAZ2B (bromodomain adjacent to zinc finger domain 2B; minus strand), BAZ2B-AS1 (BAZ2B antisense RNA 1; plus strand). Cytogenetic location: 2q24.2.
Variant type: single nucleotide variant.
Coding change: c.-46+27G>A on transcript NM_013450.4 (MANE Select); 27 bases into the intron after 46 bases upstream of the start codon, G replaced by A.
Molecular consequence: intron variant. On other transcripts: non-coding transcript variant (2).
Genome position (GRCh38, 1-based): chr2:159,616,215, C>T on the plus strand (G>A on the coding strand, the complement: BAZ2B is on the minus strand). VCF-style: chr2-159616215-C-T. GRCh37 (hg19) VCF-style: chr2-160472726-C-T.
Other names: NC_000002.11:g.160472726C>T; c.-46+27G>A (NM_001289975.1, NM_001329857.2).
Identifiers: ClinVar variation 3770920 (VCV003770920.14).
Genomic context (GRCh38, chr2:159,616,215, plus strand): 5'-TTCTCCGCTGCTGTTTCCACCGGCTTTGTAACACTGGGAATTTACATCCTCACCCGCACC[C>T]CTCACGCCCGAGGATTTTAAACTCACCTTTACTCTCGAACTGAGAGTTGCGGTAGATGGG-3'

ClinVar aggregate classification (germline): Benign (1 of 4 stars; one submission).

Submissions (13):

CeGaT Center for Human Genetics Tuebingen
Classification: Benign. Last evaluated: 2026-09-01. Review status: criteria provided, single submitter. Criteria: CeGaT Center For Human Genetics Tuebingen Variant Classification Criteria Version 2. Collection method: clinical testing. Allele origin: germline. Affected: yes. Observed: 13 variant alleles.
Comment: BAZ2B-AS1: BS1, BS2

Dr. Peter K. Rogan Lab, Western University
No classification provided (evidence only). Condition: Acute myeloid leukemia. Review status: no classification provided. Collection method: in vitro. Allele origin: not applicable. Functional consequence: retained intron. Not counted in ClinVar's aggregate classification.

Dr. Peter K. Rogan Lab, Western University
No classification provided (evidence only). Condition: Ovarian serous cystadenocarcinoma. Review status: no classification provided. Collection method: in vitro. Allele origin: not applicable. Functional consequence: retained intron. Not counted in ClinVar's aggregate classification.

Dr. Peter K. Rogan Lab, Western University
No classification provided (evidence only). Condition: Ovarian serous cystadenocarcinoma. Review status: no classification provided. Collection method: in vitro. Allele origin: not applicable. Functional consequence: retained intron. Not counted in ClinVar's aggregate classification.

Dr. Peter K. Rogan Lab, Western University
No classification provided (evidence only). Condition: Ovarian serous cystadenocarcinoma. Review status: no classification provided. Collection method: in vitro. Allele origin: not applicable. Functional consequence: retained intron. Not counted in ClinVar's aggregate classification.

Dr. Peter K. Rogan Lab, Western University
No classification provided (evidence only). Condition: Ovarian serous cystadenocarcinoma. Review status: no classification provided. Collection method: in vitro. Allele origin: not applicable. Functional consequence: retained intron. Not counted in ClinVar's aggregate classification.

Dr. Peter K. Rogan Lab, Western University
No classification provided (evidence only). Condition: Ovarian serous cystadenocarcinoma. Review status: no classification provided. Collection method: in vitro. Allele origin: not applicable. Functional consequence: retained intron. Not counted in ClinVar's aggregate classification.

Dr. Peter K. Rogan Lab, Western University
No classification provided (evidence only). Condition: Ovarian serous cystadenocarcinoma. Review status: no classification provided. Collection method: in vitro. Allele origin: not applicable. Functional consequence: retained intron. Not counted in ClinVar's aggregate classification.

Dr. Peter K. Rogan Lab, Western University
No classification provided (evidence only). Condition: Ovarian serous cystadenocarcinoma. Review status: no classification provided. Collection method: in vitro. Allele origin: not applicable. Functional consequence: retained intron. Not counted in ClinVar's aggregate classification.

Dr. Peter K. Rogan Lab, Western University
No classification provided (evidence only). Condition: Ovarian serous cystadenocarcinoma. Review status: no classification provided. Collection method: in vitro. Allele origin: not applicable. Functional consequence: retained intron. Not counted in ClinVar's aggregate classification.

Dr. Peter K. Rogan Lab, Western University
No classification provided (evidence only). Condition: Ovarian serous cystadenocarcinoma. Review status: no classification provided. Collection method: in vitro. Allele origin: not applicable. Functional consequence: retained intron. Not counted in ClinVar's aggregate classification.

Dr. Peter K. Rogan Lab, Western University
No classification provided (evidence only). Condition: Ovarian serous cystadenocarcinoma. Review status: no classification provided. Collection method: in vitro. Allele origin: not applicable. Functional consequence: retained intron. Not counted in ClinVar's aggregate classification.

Dr. Peter K. Rogan Lab, Western University
No classification provided (evidence only). Condition: Uterine carcinosarcoma. Review status: no classification provided. Collection method: in vitro. Allele origin: not applicable. Functional consequence: retained intron. Not counted in ClinVar's aggregate classification.